The following is an entry in ClinVar:

ClinVar aggregate classification (germline): Uncertain significance (1 of 4 stars; one submission).

Conditions:
Autosomal dominant limb-girdle muscular dystrophy type 1F (LGMDD2). Also called: Limb-girdle muscular dystrophy, type 1F; MUSCULAR DYSTROPHY, LIMB-GIRDLE, AUTOSOMAL DOMINANT 2. Identifiers: Orphanet 55595, MedGen C1842062, MONDO:0012034, OMIM 608423.

Submission:

Labcorp Genetics (formerly Invitae), Labcorp
Classification: Uncertain significance for Autosomal dominant limb-girdle muscular dystrophy type 1F. Last evaluated: 2022-09-22. Review status: criteria provided, single submitter. Criteria: Invitae Variant Classification Sherloc (09022015). Collection method: clinical testing. Allele origin: germline.
Comment: This variant has not been reported in the literature in individuals affected with TNPO3-related conditions. Advanced modeling of protein sequence and biophysical properties (such as structural, functional, and spatial information, amino acid conservation, physicochemical variation, residue mobility, and thermodynamic stability) performed at Invitae indicates that this missense variant is expected to disrupt TNPO3 protein function. In summary, the available evidence is currently insufficient to determine the role of this variant in disease. Therefore, it has been classified as a Variant of Uncertain Significance. This variant is not present in population databases (gnomAD no frequency). This sequence change replaces tyrosine, which is neutral and polar, with asparagine, which is neutral and polar, at codon 280 of the TNPO3 protein (p.Tyr280Asn).

NM_012470.4(TNPO3):c.838T>A (p.Tyr280Asn)

Gene: TNPO3 (transportin 3; minus strand). Cytogenetic location: 7q32.1.
Variant type: single nucleotide variant.
Coding change: c.838T>A on transcript NM_012470.4 (MANE Select); coding-DNA position 838, T replaced by A.
Protein change: p.Tyr280Asn; replaces tyrosine 280 with asparagine.
Molecular consequence: missense variant. On other transcripts: non-coding transcript variant (18).
Genome position (GRCh38, 1-based): chr7:129,001,093, A>T on the plus strand (T>A on the coding strand, the complement: TNPO3 is on the minus strand). VCF-style: chr7-129001093-A-T. GRCh37 (hg19) VCF-style: chr7-128641147-A-T.
Other names: c.838T>A, p.Tyr280Asn (NM_001191028.3, NM_001382216.1, NM_001382218.1 and 4 more transcripts); c.919T>A, p.Tyr307Asn (NM_001382217.1); c.694T>A, p.Tyr232Asn (NM_001382221.1); short protein forms Y232N, Y280N, Y307N.
Identifiers: ClinVar variation 1720010 (VCV001720010.6), dbSNP rs774326882, ClinGen allele CA369238590.
Genomic context (GRCh38, chr7:129,001,093, plus strand): 5'-GGCTCCAGACTTAAACAATTACTCACTTGTCTAAATCTTCACGTGCCACGGCCATATGAT[A>T]GGCAGTCTCCAATGTCAGCACTCCCTGAAAAAGTTGCATGGCTAATGGCAAGTTAGTCTC-3'
Protein context (NP_036602.1, residues 270-290): FQGVLTLETA[Tyr280Asn]HMAVAREDLD